The following is an entry in ClinVar:

ClinVar aggregate classification (germline): Uncertain significance (1 of 4 stars; one submission).

Submission:

Dasa
Classification: Uncertain significance. Last evaluated: 2025-12-23. Review status: criteria provided, single submitter. Criteria: DASA Assertion Criteria. Collection method: clinical testing. Allele origin: germline.
Comment: NM_001184.4(ATR):c.5560T>C (p.Leu1854=) is a synonymous variant predicted not to alter the encoded amino acid sequence. This variant is rare in population databases. The currently available literature and clinical evidence are not sufficient to establish a definitive association between this variant and the reported condition. Therefore, this variant is classified as a variant of uncertain significance.

NM_001184.4(ATR):c.5560T>C (p.Leu1854=)

Gene: ATR (ATR checkpoint kinase; minus strand). Cytogenetic location: 3q23.
Variant type: single nucleotide variant.
Coding change: c.5560T>C on transcript NM_001184.4 (MANE Select); coding-DNA position 5560, T replaced by C.
Protein change: p.Leu1854=; no amino-acid change (leucine 1854 retained).
Molecular consequence: synonymous variant.
Genome position (GRCh38, 1-based): chr3:142,497,191, A>G on the plus strand (T>C on the coding strand, the complement: ATR is on the minus strand). VCF-style: chr3-142497191-A-G. GRCh37 (hg19) VCF-style: chr3-142216033-A-G.
Other names: c.5368T>C, p.Leu1790= (NM_001354579.2).
Identifiers: ClinVar variation 4882121 (VCV004882121.2).
Genomic context (GRCh38, chr3:142,497,191, plus strand): 5'-CACCTGGAGAATGCTGGAAAAGTGGTTTGATGCTATGCTCCAACTCACATAACATGTGCA[A>G]TCTGAAGATAGATAGAGCCTATGTTAAAATGTTATCATATTCAGCCTTATTAATCTCATA-3'
Protein context (NP_001175.2, residues 1844-1864): YQRGYEYIVR[Leu1854=]HMLCELEHSI